The following is an entry in ClinVar:

ClinVar aggregate classification (germline): Benign/Likely benign. Review status: criteria provided, multiple submitters, no conflicts (2 of 4 stars). 8 submissions from 7 submitters: Benign (5); Likely benign (3). Last evaluated 2025-12-10.

Conditions:
Autosomal dominant nonsyndromic hearing loss 17. Also called: Deafness, autosomal dominant 17; Autosomal dominant nonsyndromic deafness 17. Identifiers: Orphanet 90635, MedGen C1863659, MONDO:0011350, OMIM 603622.
MYH9-related disorder. Identifiers: MedGen C1854520.

Allele frequency attached by ClinVar (database versions not stated): 1000 Genomes Project 0.00240; gnomAD exomes 0.00018 and 0.00048; ExAC 0.00056; gnomAD 0.00182 and 0.00193; ESP Exome Variant Server 0.00185; TOPMed 0.00210; 1000 Genomes Project 30x 0.00234.
gnomAD v4.1: 563 of 1,611,642 alleles (0.035%); highest among the groups gnomAD compares: African/African-American, 0.64%; 1 homozygote.

Submissions (8):

Labcorp Genetics (formerly Invitae), Labcorp
Classification: Benign. Last evaluated: 2025-12-10. Review status: criteria provided, single submitter. Criteria: Invitae Variant Classification Sherloc (09022015). Collection method: clinical testing. Allele origin: germline.

Blueprint Genetics
Classification: Likely benign. Last evaluated: 2024-11-27. Review status: criteria provided, single submitter. Criteria: ACMG Guidelines, 2015. Collection method: clinical testing. Allele origin: germline.

Mayo Clinic Laboratories, Mayo Clinic
Classification: Likely benign. Last evaluated: 2024-01-24. Review status: criteria provided, single submitter. Criteria: ACMG Guidelines, 2015. Collection method: clinical testing. Allele origin: germline. Observed: 2 variant alleles.
Comment: BS1, BP4, BP7

GeneDx
Classification: Likely benign. Last evaluated: 2018-07-12. Review status: criteria provided, single submitter. Criteria: GeneDx Variant Classification Process June 2021. Collection method: clinical testing. Allele origin: germline. Affected: yes.

Illumina Laboratory Services, Illumina
Classification: Benign for MYH9-related disorder. Last evaluated: 2018-01-12. Review status: criteria provided, single submitter. Criteria: ICSL Variant Classification Criteria 13 December 2019. Collection method: clinical testing. Allele origin: germline.
Comment: This variant was observed in the ICSL laboratory as part of a predisposition screen in an ostensibly healthy population. It had not been previously curated by ICSL or reported in the Human Gene Mutation Database (HGMD: prior to June 1st, 2018), and was therefore a candidate for classification through an automated scoring system. Utilizing variant allele frequency, disease prevalence and penetrance estimates, and inheritance mode, an automated score was calculated to assess if this variant is too frequent to cause the disease. Based on the score and internal cut-off values, a variant classified as benign is not then subjected to further curation. The score for this variant resulted in a classification of benign for this disease.

Illumina Laboratory Services, Illumina
Classification: Benign for Autosomal dominant nonsyndromic hearing loss 17. Last evaluated: 2018-01-12. Review status: criteria provided, single submitter. Criteria: ICSL Variant Classification Criteria 13 December 2019. Collection method: clinical testing. Allele origin: germline.
Comment: the same text as in the submission from Illumina Laboratory Services, Illumina above.

Eurofins Ntd Llc (ga)
Classification: Benign. Last evaluated: 2017-01-19. Review status: criteria provided, single submitter. Criteria: EGL Classification Definitions 2015. Collection method: clinical testing. Allele origin: germline. Observed: 1 variant allele, 1 heterozygote.

Laboratory for Molecular Medicine, Mass General Brigham Personalized Medicine
Classification: Benign. Last evaluated: 2012-04-30. Review status: criteria provided, single submitter. Criteria: LMM Criteria. Collection method: clinical testing. Allele origin: germline. Observed: 5 variant alleles.
Comment: 3485+8C>T in Intron 26 of MYH9: This variant is not expected to have clinical si gnificance because it is not located within the conserved splice consensus seque nce and has been identified in 0.6% (22/3738) of African American chromosomes fr om a broad population by the NHLBI Exome Sequencing Project (dbSNP rs149559551).

NM_002473.6(MYH9):c.3485+8C>T

Gene: MYH9 (myosin heavy chain 9; minus strand). Cytogenetic location: 22q12.3.
Variant type: single nucleotide variant.
Coding change: c.3485+8C>T on transcript NM_002473.6 (MANE Select); 8 bases into the intron after coding-DNA position 3485, C replaced by T.
Molecular consequence: intron variant.
Genome position (GRCh38, 1-based): chr22:36,295,497, G>A on the plus strand (C>T on the coding strand, the complement: MYH9 is on the minus strand). VCF-style: chr22-36295497-G-A. GRCh37 (hg19) VCF-style: chr22-36691543-G-A.
Other names: p.?.
Identifiers: ClinVar variation 164441 (VCV000164441.26), dbSNP rs149559551, ClinGen allele CA177102.